The following is an entry in ClinVar:

ClinVar aggregate classification (germline): Uncertain significance (1 of 4 stars; one submission).

Conditions:
Ullrich congenital muscular dystrophy 2 (UCMD2). Identifiers: Orphanet 75840, MedGen C4225314, MONDO:0014654, OMIM 616470.
Bethlem myopathy 2 (BTHLM2). Identifiers: Orphanet 536516, Orphanet 610, MedGen C4225313, MONDO:0034022, OMIM 616471.

Submission:

Labcorp Genetics (formerly Invitae), Labcorp
Classification: Uncertain significance for Bethlem myopathy 2; Ullrich congenital muscular dystrophy 2. Last evaluated: 2024-09-01. Review status: criteria provided, single submitter. Criteria: Invitae Variant Classification Sherloc (09022015). Collection method: clinical testing. Allele origin: germline.
Comment: This sequence change falls in intron 20 of the COL12A1 gene. It does not directly change the encoded amino acid sequence of the COL12A1 protein. It affects a nucleotide within the consensus splice site. This variant is not present in population databases (gnomAD no frequency). This variant has not been reported in the literature in individuals affected with COL12A1-related conditions. Variants that disrupt the consensus splice site are a relatively common cause of aberrant splicing (PMID: 17576681, 9536098). Algorithms developed to predict the effect of sequence changes on RNA splicing suggest that this variant is not likely to affect RNA splicing. In summary, the available evidence is currently insufficient to determine the role of this variant in disease. Therefore, it has been classified as a Variant of Uncertain Significance.

Literature cited by the submitters: PubMed 17576681; PubMed 9536098.

NM_004370.6(COL12A1):c.4000+4C>A

Gene: COL12A1 (collagen type XII alpha 1 chain; minus strand). Cytogenetic location: 6q13.
Variant type: single nucleotide variant.
Coding change: c.4000+4C>A on transcript NM_004370.6 (MANE Select); 4 bases into the intron after coding-DNA position 4000, C replaced by A.
Molecular consequence: intron variant.
Genome position (GRCh38, 1-based): chr6:75,151,863, G>T on the plus strand (C>A on the coding strand, the complement: COL12A1 is on the minus strand). VCF-style: chr6-75151863-G-T. GRCh37 (hg19) VCF-style: chr6-75861579-G-T.
Other names: c.508+4C>A (NM_001424116.1, NM_080645.3); c.3727+4C>A (NM_001424115.1); c.4000+4C>A (NM_001424114.1, NM_001424113.1).
Identifiers: ClinVar variation 3758062 (VCV003758062.2).